The following is an entry in ClinVar:

ClinVar aggregate classification (germline): Likely pathogenic (1 of 4 stars; one submission).

Conditions:
Charlevoix-Saguenay spastic ataxia (SACS). Also called: AUTOSOMAL RECESSIVE SPASTIC ATAXIA OF CHARLEVOIX-SAGUENAY; Spastic ataxia of Charlevoix-Saguenay; SPASTIC ATAXIA 6, AUTOSOMAL RECESSIVE. Identifiers: Orphanet 98, MedGen C1849140, MONDO:0010041, OMIM 270550.

Submission:

Natera, Inc.
Classification: Likely pathogenic for Charlevoix-Saguenay type spastic ataxia. Last evaluated: 2025-12-19. Review status: criteria provided, single submitter. Criteria: Natera Variant Classification Schema (03/2026). Collection method: clinical testing. Allele origin: germline.
Comment: The c.4950_4963del variant in SACS is a frameshift variant predicted to shift the reading frame beginning at codon 1651 and leads to a stop codon 3 codons downstream. This variant is expected to result in nonsense mediated decay, truncation, or a dysfunctional protein product. This variant is rare in the general population with a frequency below the threshold expected for the associated phenotype(s). Given the available evidence, this variant is classified as Likely Pathogenic.

NM_014363.6(SACS):c.4950_4963del (p.Gln1651fs)

Gene: SACS (sacsin molecular chaperone; minus strand). Cytogenetic location: 13q12.12.
Variant type: Deletion.
Coding change: c.4950_4963del on transcript NM_014363.6 (MANE Select); coding-DNA positions 4950 to 4963, 14 bases deleted (TCAACAGGAAGCAA).
Protein change: p.Gln1651fs; shifts the reading frame from glutamine 1651.
Molecular consequence: frameshift variant.
Genome position (GRCh38, 1-based): chr13:23,338,913-23,338,926, TTGCTTCCTGTTGA deleted on the plus strand (TCAACAGGAAGCAA on the coding strand, the reverse complement: SACS is on the minus strand). VCF-style (leftmost placement, unchanged base first): chr13-23338912-TTTGCTTCCTGTTGA-T. GRCh37 (hg19) VCF-style: chr13-23913051-TTTGCTTCCTGTTGA-T.
Other names: c.4509_4522del, p.Gln1504fs (NM_001278055.2); c.4977_4990del, p.Gln1660fs (NM_001437336.1); short protein forms Q1504fs, Q1651fs, Q1660fs.
Identifiers: ClinVar variation 4815698 (VCV004815698.1).